The following is an entry in ClinVar:

ClinVar aggregate classification (germline): Uncertain significance. Review status: criteria provided, multiple submitters, no conflicts (2 of 4 stars). 2 submissions from 2 submitters: Uncertain significance (2). Last evaluated 2021-08-24.

Conditions:
Immunodeficiency. Identifiers: MedGen C0021051, MONDO:0021094, HP:0002721.

Allele frequency attached by ClinVar (database versions not stated): gnomAD exomes 0.00001; ExAC 0.00002.
gnomAD v4.1: 12 of 1,614,128 alleles (0.00074%); highest among the groups gnomAD compares: Middle Eastern, 0.082%; no homozygotes.

Submissions (2):

Labcorp Genetics (formerly Invitae), Labcorp
Classification: Uncertain significance for Immunodeficiency. Last evaluated: 2021-08-24. Review status: criteria provided, single submitter. Criteria: Invitae Variant Classification Sherloc (09022015). Collection method: clinical testing. Allele origin: germline.
Comment: In summary, the available evidence is currently insufficient to determine the role of this variant in disease. Therefore, it has been classified as a Variant of Uncertain Significance. Algorithms developed to predict the effect of sequence changes on RNA splicing suggest that this variant may create or strengthen a splice site. Algorithms developed to predict the effect of missense changes on protein structure and function (SIFT, PolyPhen-2, Align-GVGD) all suggest that this variant is likely to be tolerated. This variant has not been reported in the literature in individuals affected with NFAT5-related conditions. This variant is present in population databases (rs753321494, ExAC 0.003%). This sequence change replaces isoleucine with valine at codon 1397 of the NFAT5 protein (p.Ile1397Val). The isoleucine residue is moderately conserved and there is a small physicochemical difference between isoleucine and valine.

Breakthrough Genomics
Classification: Uncertain significance. Review status: criteria provided, single submitter. Criteria: ACMG Guidelines, 2015. Collection method: not provided. Allele origin: germline. Inheritance: Unknown mechanism. Affected: yes.

NM_138713.4(NFAT5):c.4471A>G (p.Ile1491Val)

Gene: NFAT5 (nuclear factor of activated T cells 5; plus strand). Cytogenetic location: 16q22.1.
Variant type: single nucleotide variant.
Coding change: c.4471A>G on transcript NM_138713.4 (MANE Select); coding-DNA position 4471, A replaced by G.
Protein change: p.Ile1491Val; replaces isoleucine 1491 with valine.
Molecular consequence: missense variant.
Genome position (GRCh38, 1-based): chr16:69,695,192, A>G. VCF-style: chr16-69695192-A-G. GRCh37 (hg19) VCF-style: chr16-69729095-A-G.
Other names: c.4468A>G, p.Ile1490Val (NM_001113178.3); c.3796A>G, p.Ile1266Val (NM_001367709.1); c.4417A>G, p.Ile1473Val (NM_006599.4); c.4189A>G, p.Ile1397Val (NM_138714.4, NM_173214.3, NM_173215.3); short protein forms I1490V, I1266V, I1397V, I1473V, I1491V.
Identifiers: ClinVar variation 1421530 (VCV001421530.7), dbSNP rs753321494, ClinGen allele CA8136071.